The following is an entry in ClinVar:

ClinVar aggregate classification (germline): Likely benign. Review status: criteria provided, multiple submitters, no conflicts (2 of 4 stars). 3 submissions from 3 submitters: Likely benign (3). Last evaluated 2025-12-31.

Conditions:
Cardiovascular phenotype. Identifiers: MedGen CN230736.
Familial hypercholesterolemia. Also called: Familial hypercholesterolemias; Familial hypercholesterolaemia. Identifiers: MedGen C0020445, MONDO:0005439.
Familial hypobetalipoproteinemia 1. Also called: Hypobetalipoproteinemia, normotriglyceridemic; Acanthocytosis with hypobetalipoproteinemia; APOB-Related Familial Hypobetalipoproteinemia. Identifiers: MedGen C4551990, MONDO:0014252, OMIM 615558.
Hypercholesterolemia, autosomal dominant, type B (FHCL2). Also called: Familial Hypercholesterolemia Type B; HYPERCHOLESTEROLEMIA, FAMILIAL, DUE TO LIGAND-DEFECTIVE APOLIPOPROTEIN B; Familial hypercholesterolemia 2; APOB-Related Familial Hypercholesterolemia, Autosomal Dominant; APOLIPOPROTEIN B-100, FAMILIAL DEFECTIVE; APOLIPOPROTEIN B-100, FAMILIAL LIGAND-DEFECTIVE. Identifiers: MedGen C1704417, MONDO:0007751, OMIM 144010.

Allele frequency attached by ClinVar (database versions not stated): TOPMed 0.00003.
gnomAD v4.1: 13 of 1,613,870 alleles (0.00081%); highest among the groups gnomAD compares: Admixed American, 0.0033%; no homozygotes.

Submissions (3):

Labcorp Genetics (formerly Invitae), Labcorp
Classification: Likely benign for Familial hypobetalipoproteinemia 1; Hypercholesterolemia, autosomal dominant, type B. Last evaluated: 2025-12-31. Review status: criteria provided, single submitter. Criteria: Invitae Variant Classification Sherloc (09022015). Collection method: clinical testing. Allele origin: germline.

GENinCode PLC
Classification: Likely benign for Familial hypercholesterolemia. Last evaluated: 2025-01-09. Review status: criteria provided, single submitter. Criteria: ACMG Guidelines, 2015. Collection method: clinical testing. Allele origin: germline.
Comment: This is a synonymous (silent) variant that is not predicted to impact splicing and occurs at a nucleotide which is not highly conserved. This variant has been classified as Likely Benign (BP4, BP7).

Ambry Genetics
Classification: Likely benign for Cardiovascular phenotype. Last evaluated: 2022-04-09. Review status: criteria provided, single submitter. Criteria: Ambry Variant Classification Scheme 2023. Collection method: clinical testing. Allele origin: germline.

NM_000384.3(APOB):c.9867C>T (p.Asp3289=)

Gene: APOB (apolipoprotein B; minus strand). Cytogenetic location: 2p24.1.
Variant type: single nucleotide variant.
Coding change: c.9867C>T on transcript NM_000384.3 (MANE Select); coding-DNA position 9867, C replaced by T.
Protein change: p.Asp3289=; no amino-acid change (aspartic acid 3289 retained).
Molecular consequence: synonymous variant.
Genome position (GRCh38, 1-based): chr2:21,007,001, G>A on the plus strand (C>T on the coding strand, the complement: APOB is on the minus strand). VCF-style: chr2-21007001-G-A. GRCh37 (hg19) VCF-style: chr2-21229873-G-A.
Identifiers: ClinVar variation 927813 (VCV000927813.16), dbSNP rs72654404, ClinGen allele CA066913.